The following is an entry in ClinVar:

NM_005343.4(HRAS):c.208_209insGGTGGGCCATGCGGGACC (p.Asp69_Gln70insArgTrpAlaMetArgAsp)

Genes: HRAS (HRas proto-oncogene, GTPase; minus strand), LRRC56 (leucine rich repeat containing 56; plus strand). Cytogenetic location: 11p15.5.
Variant type: Insertion.
Coding change: c.208_209insGGTGGGCCATGCGGGACC on transcript NM_005343.4 (MANE Select); coding-DNA positions 208 to 209, GGTGGGCCATGCGGGACC inserted.
Protein change: p.Asp69_Gln70insArgTrpAlaMetArgAsp.
Molecular consequence: inframe insertion. On other transcripts: 5 prime UTR variant (1), intron variant (2).
Genome position: GRCh38 VCF-style: chr11-533847-T-TGGTCCCGCATGGCCCACC. GRCh37 (hg19) VCF-style: chr11-533847-T-TGGTCCCGCATGGCCCACC.
Other names: c.208_209insGGTGGGCCATGCGGGACC, p.Asp69_Gln70insArgTrpAlaMetArgAsp (NM_001130442.3, NM_176795.5); c.-112_-111insGGTGGGCCATGCGGGACC (NM_001318054.2); c.-162+5523_-162+5524insCCACCGGTCCCGCATGGC (NM_001441284.1, NM_001441286.1).
Identifiers: ClinVar variation 4974570 (VCV004974570.1).

ClinVar aggregate classification (germline): Likely pathogenic (1 of 4 stars; one submission).

Conditions:
Cerebral arteriovenous malformation (BAVM). Also called: CEREBRAL ARTERIOVENOUS MALFORMATIONS; Arteriovenous malformations of the brain. Identifiers: Orphanet 46724, MedGen C0917804, MONDO:0007154, OMIM 108010, HP:0002408.

Submission:

Clinical Genomics Laboratory, Washington University in St. Louis
Classification: Likely pathogenic for Cerebral arteriovenous malformation. Last evaluated: 2026-03-18. Review status: criteria provided, single submitter. Criteria: Leon-Quintero et al. (Clin Genet. 2025). Collection method: clinical testing. Allele origin: somatic. Affected: yes.
Comment: An HRAS c.208_209insGGTGGGCCATGCGGGACC (p.Asp69_Gln70insArgTrpAlaMetArgAsp) variant was identified at an allelic fraction consistent with somatic origin. This exact variant, to our knowledge, has not been reported in the medical literature or the ClinVar database. However, several other similar in frame indels in this region of the HRAS and other RAS genes have been reported in individuals with vascular anomalies (Hou YCC et al., PMID:36571464; Eijkelenboom A et al., PMID: 31160609; Hong T et al., PMID: 30544177; Konczyk DJ et al., PMID: 31637524) and RASopathies (Eijkelenboom A et al., PMID: 31160609). It is absent from the general population (gnomAD v.4.1.0), indicating it is not a common variant. The HRAS c.208_209insGGTGGGCCATGCGGGACC (p.Asp69_Gln70insArgTrpAlaMetArgAsp) variant resides within a region, the switch II domain, of HRAS that is defined as a region critical for binding regulator and effector proteins (Vetter IR et al., PMID: 11701921). This variant is predicted to cause a change in the length of the protein due to an in-frame insertion of six amino acids in a non-repeat region. Functional analyses of similar in-frame insertions and duplications in the HRAS switch II domain have demonstrated that these variants lead to increased RAS signaling (Eijkelenboom A et al., PMID: 31160609). Based on available information and an internally developed protocol informed by the ACMG/AMP guidelines for variant interpretation and gene-specific practices from the ClinGen Criteria Specification Registry (Leon-Quintero FZ et al., PMID: 39434542), the HRAS c.208_209insGGTGGGCCATGCGGGACC (p.Asp69_Gln70insArgTrpAlaMetArgAsp) variant is classified as likely pathogenic.